The following is an entry in ClinVar:

ClinVar aggregate classification (germline): Likely benign. Review status: criteria provided, multiple submitters, no conflicts (2 of 4 stars). 2 submissions from 2 submitters: Likely benign (2). Last evaluated 2026-06-24.

Conditions:
ZBTB20-related disorder. Also called: ZBTB20-related condition.

Allele frequency attached by ClinVar (database versions not stated): gnomAD 0.00002; TOPMed 0.00002; ExAC 0.00020.
gnomAD v4.1: 155 of 1,564,964 alleles (0.0099%); highest among the groups gnomAD compares: South Asian, 0.16%; 2 homozygotes.

Submissions (2):

PreventionGenetics, part of Exact Sciences
Classification: Likely benign for ZBTB20-related condition. Last evaluated: 2026-06-24. Review status: criteria provided, single submitter. Criteria: ACMG Guidelines, 2015. Collection method: clinical testing. Allele origin: germline.
Comment: This variant is classified as likely benign based on ACMG/AMP sequence variant interpretation guidelines (Richards et al. 2015 PMID: 25741868, with internal and published modifications).

Labcorp Genetics (formerly Invitae), Labcorp
Classification: Likely benign. Last evaluated: 2025-06-03. Review status: criteria provided, single submitter. Criteria: Invitae Variant Classification Sherloc (09022015). Collection method: clinical testing. Allele origin: germline.

NM_001348800.3(ZBTB20):c.2155G>A (p.Val719Ile)

Gene: ZBTB20 (zinc finger and BTB domain containing 20; minus strand). Cytogenetic location: 3q13.31.
Variant type: single nucleotide variant.
Coding change: c.2155G>A on transcript NM_001348800.3 (MANE Select); coding-DNA position 2155, G replaced by A.
Protein change: p.Val719Ile; replaces valine 719 with isoleucine.
Molecular consequence: missense variant. On other transcripts: non-coding transcript variant (1).
Genome position (GRCh38, 1-based): chr3:114,339,076, C>T on the plus strand (G>A on the coding strand, the complement: ZBTB20 is on the minus strand). VCF-style: chr3-114339076-C-T. GRCh37 (hg19) VCF-style: chr3-114057923-C-T.
Other names: c.2155G>A, p.Val719Ile (NM_001164342.2, NM_001348803.3, NM_001393393.1 and 1 more transcripts); c.1936G>A, p.Val646Ile (NM_001164343.2, NM_001164344.4, NM_001164345.4 and 9 more transcripts); short protein forms V719I, V646I.
Identifiers: ClinVar variation 1991538 (VCV001991538.5), dbSNP rs779910215, ClinGen allele CA2551196.